The following is an entry in ClinVar:

NM_001041.4(SI):c.1889T>C (p.Val630Ala)

Gene: SI (sucrase-isomaltase; minus strand). Cytogenetic location: 3q26.1.
Variant type: single nucleotide variant.
Coding change: c.1889T>C on transcript NM_001041.4 (MANE Select); coding-DNA position 1889, T replaced by C.
Protein change: p.Val630Ala; replaces valine 630 with alanine.
Molecular consequence: missense variant.
Genome position (GRCh38, 1-based): chr3:165,043,174, A>G on the plus strand (T>C on the coding strand, the complement: SI is on the minus strand). VCF-style: chr3-165043174-A-G. GRCh37 (hg19) VCF-style: chr3-164760962-A-G.
Other names: short protein forms V630A.
Identifiers: ClinVar variation 2992782 (VCV002992782.3), dbSNP rs1712937525, ClinGen allele CA355051222.

ClinVar aggregate classification (germline): Uncertain significance (1 of 4 stars; one submission).

Allele frequency attached by ClinVar (database versions not stated): TOPMed below 0.00001.
gnomAD v4.1: 15 of 1,593,404 alleles (0.00094%); highest among the groups gnomAD compares: Non-Finnish European, 0.0012%; no homozygotes.

Submission:

Labcorp Genetics (formerly Invitae), Labcorp
Classification: Uncertain significance. Last evaluated: 2023-04-28. Review status: criteria provided, single submitter. Criteria: Invitae Variant Classification Sherloc (09022015). Collection method: clinical testing. Allele origin: germline.
Comment: In summary, the available evidence is currently insufficient to determine the role of this variant in disease. Therefore, it has been classified as a Variant of Uncertain Significance. Algorithms developed to predict the effect of missense changes on protein structure and function output the following: SIFT: "Not Available"; PolyPhen-2: "Benign"; Align-GVGD: "Not Available". The alanine amino acid residue is found in multiple mammalian species, which suggests that this missense change does not adversely affect protein function. This variant has not been reported in the literature in individuals affected with SI-related conditions. This variant is not present in population databases (gnomAD no frequency). This sequence change replaces valine, which is neutral and non-polar, with alanine, which is neutral and non-polar, at codon 630 of the SI protein (p.Val630Ala).